The following is an entry in ClinVar:

ClinVar aggregate classification (germline): Uncertain significance (1 of 4 stars; one submission).

Conditions:
RASopathy. Also called: rasopathies; Noonan spectrum disorder. Identifiers: Orphanet 536391, MedGen C5555857, MONDO:0021060.

Allele frequency attached by ClinVar (database versions not stated): TOPMed 0.00001.
gnomAD v4.1: 1 of 1,613,122 alleles (0.000062%); no homozygotes.

Submission:

Labcorp Genetics (formerly Invitae), Labcorp
Classification: Uncertain significance for RASopathy. Last evaluated: 2022-07-17. Review status: criteria provided, single submitter. Criteria: Invitae Variant Classification Sherloc (09022015). Collection method: clinical testing. Allele origin: germline.
Comment: This variant is not present in population databases (gnomAD no frequency). This variant has not been reported in the literature in individuals affected with NRAS-related conditions. Variants that disrupt the consensus splice site are a relatively common cause of aberrant splicing (PMID: 17576681, 9536098). Algorithms developed to predict the effect of sequence changes on RNA splicing suggest that this variant is not likely to affect RNA splicing. In summary, the available evidence is currently insufficient to determine the role of this variant in disease. Therefore, it has been classified as a Variant of Uncertain Significance. This sequence change falls in intron 4 of the NRAS gene. It does not directly change the encoded amino acid sequence of the NRAS protein. It affects a nucleotide within the consensus splice site.

Literature cited by the submitters: PubMed 17576681; PubMed 9536098.

NM_002524.5(NRAS):c.450+6G>T

Gene: NRAS (NRAS proto-oncogene, GTPase; minus strand). Cytogenetic location: 1p13.2.
Variant type: single nucleotide variant.
Coding change: c.450+6G>T on transcript NM_002524.5 (MANE Select); 6 bases into the intron after coding-DNA position 450, G replaced by T.
Molecular consequence: intron variant.
Genome position (GRCh38, 1-based): chr1:114,709,563, C>A on the plus strand (G>T on the coding strand, the complement: NRAS is on the minus strand). VCF-style: chr1-114709563-C-A. GRCh37 (hg19) VCF-style: chr1-115252184-C-A.
Identifiers: ClinVar variation 2189829 (VCV002189829.4), dbSNP rs1658995392, ClinGen allele CA1190289474.